The following is an entry in ClinVar:

ClinVar aggregate classification (germline): Uncertain significance (1 of 4 stars; one submission).

Conditions:
Inborn genetic diseases. Identifiers: MedGen C0950123, MeSH D030342.

Submission:

Ambry Genetics
Classification: Uncertain significance for Inborn genetic diseases. Last evaluated: 2025-02-08. Review status: criteria provided, single submitter. Criteria: Ambry Variant Classification Scheme 2023. Collection method: clinical testing. Allele origin: germline.
Comment: The p.E1699G variant (also known as c.5096A>G), located in coding exon 34 of the ANKRD26 gene, results from an A to G substitution at nucleotide position 5096. The glutamic acid at codon 1699 is replaced by glycine, an amino acid with similar properties. This amino acid position is conserved. In addition, this alteration is predicted to be tolerated by in silico analysis. Based on the available evidence, the clinical significance of this variant remains unclear.

NM_014915.3(ANKRD26):c.5096A>G (p.Glu1699Gly)

Gene: ANKRD26 (ankyrin repeat domain containing 26; minus strand). Cytogenetic location: 10p12.1.
Variant type: single nucleotide variant.
Coding change: c.5096A>G on transcript NM_014915.3 (MANE Select); coding-DNA position 5096, A replaced by G.
Protein change: p.Glu1699Gly; replaces glutamic acid 1699 with glycine.
Molecular consequence: missense variant.
Genome position (GRCh38, 1-based): chr10:27,005,627, T>C on the plus strand (A>G on the coding strand, the complement: ANKRD26 is on the minus strand). VCF-style: chr10-27005627-T-C. GRCh37 (hg19) VCF-style: chr10-27294556-T-C.
Other names: c.5093A>G, p.Glu1698Gly (NM_001256053.2); short protein forms E1699G, E1698G.
Identifiers: ClinVar variation 3871060 (VCV003871060.1).